The following is an entry in ClinVar:

ClinVar aggregate classification (germline): Likely benign. Review status: criteria provided, multiple submitters, no conflicts (2 of 4 stars). 2 submissions from 2 submitters: Likely benign (2). Last evaluated 2024-03-27.

Conditions:
Polyglucosan body myopathy type 1 (PGBM1). Also called: Polyglucosan body myopathy 1 with or without immunodeficiency; POLYGLUCOSAN BODY MYOPATHY WITHOUT IMMUNODEFICIENCY. Identifiers: Orphanet 329173, Orphanet 397937, MedGen C4014605, MONDO:0014389, OMIM 615895.

gnomAD v4.1: 3 of 1,562,658 alleles (0.00019%); highest among the groups gnomAD compares: Admixed American, 0.0055%; no homozygotes.

Submissions (2):

Labcorp Genetics (formerly Invitae), Labcorp
Classification: Likely benign for Polyglucosan body myopathy type 1. Last evaluated: 2024-03-27. Review status: criteria provided, single submitter. Criteria: Invitae Variant Classification Sherloc (09022015). Collection method: clinical testing. Allele origin: germline.

CeGaT Center for Human Genetics Tuebingen
Classification: Likely benign. Last evaluated: 2023-10-01. Review status: criteria provided, single submitter. Criteria: CeGaT Center For Human Genetics Tuebingen Variant Classification Criteria Version 2. Collection method: clinical testing. Allele origin: germline. Affected: yes. Observed: 1 variant allele.
Comment: RBCK1: BP4, BP7

NM_031229.4(RBCK1):c.900T>C (p.Cys300=)

Gene: RBCK1 (RANBP2-type and C3HC4-type zinc finger containing 1; plus strand). Cytogenetic location: 20p13.
Variant type: single nucleotide variant.
Coding change: c.900T>C on transcript NM_031229.4 (MANE Select); coding-DNA position 900, T replaced by C.
Protein change: p.Cys300=; no amino-acid change (cysteine 300 retained).
Molecular consequence: synonymous variant. On other transcripts: intron variant (2).
Genome position (GRCh38, 1-based): chr20:421,014, T>C. VCF-style: chr20-421014-T-C. GRCh37 (hg19) VCF-style: chr20-401658-T-C.
Other names: c.951T>C, p.Cys317= (NM_001410770.1); c.774T>C, p.Cys258= (NM_006462.6); c.408-1113T>C (NM_001323956.2, NM_001323958.2).
Identifiers: ClinVar variation 2151581 (VCV002151581.28), dbSNP rs867509895, ClinGen allele CA509312921.